The following is an entry in ClinVar:

ClinVar aggregate classification (germline): Conflicting classifications of pathogenicity. Review status: criteria provided, conflicting classifications (1 of 4 stars). 14 submissions from 14 submitters: Uncertain significance (11); Likely benign (1). 2 of the submissions do not count toward it. Last evaluated 2026-01-28.

Conditions:
Hereditary cancer-predisposing syndrome. Also called: Tumor predisposition; Hereditary Cancer Syndrome; Hereditary neoplastic syndrome; Neoplastic Syndromes, Hereditary. Identifiers: Orphanet 140162, MedGen C0027672, MeSH D009386, MONDO:0015356.
Familial cancer of breast. Also called: BREAST CANCER, FAMILIAL; hereditary breast carcinoma; Hereditary breast cancer. Identifiers: Orphanet 227535, MedGen C0346153, MONDO:0016419, OMIM 114480. Disease mechanism: loss of function.
Ataxia-telangiectasia syndrome (AT). Also called: LOUIS-BAR SYNDROME; Cerebello-oculocutaneous telangiectasia; Immunodeficiency with ataxia telangiectasia; ATAXIA-TELANGIECTASIA, COMPLEMENTATION GROUP A; ATAXIA-TELANGIECTASIA, FRESNO VARIANT; Ataxia-telangiectasia. Identifiers: Orphanet 100, MedGen C0004135, MONDO:0008840, OMIM 208900.

Allele frequency attached by ClinVar (database versions not stated): gnomAD 0.00001; TOPMed 0.00001; gnomAD exomes 0.00003 and 0.00006; ExAC 0.00007; 1000 Genomes Project 30x 0.00016; 1000 Genomes Project 0.00020.
gnomAD v4.1: 46 of 1,613,968 alleles (0.0029%); highest among the groups gnomAD compares: South Asian, 0.037%; no homozygotes.

Submissions (14):

Labcorp Genetics (formerly Invitae), Labcorp
Classification: Likely benign for Ataxia-telangiectasia syndrome. Last evaluated: 2026-01-28. Review status: criteria provided, single submitter. Criteria: Invitae Variant Classification Sherloc (09022015). Collection method: clinical testing. Allele origin: germline.

Women's Health and Genetics/Laboratory Corporation of America, LabCorp
Classification: Uncertain significance. Last evaluated: 2025-06-16. Review status: criteria provided, single submitter. Criteria: LabCorp Variant Classification Summary - May 2015. Collection method: clinical testing. Allele origin: germline.
Comment: Variant summary: ATM c.3899A>G (p.Tyr1300Cys) results in a non-conservative amino acid change in the encoded protein sequence. Algorithms developed to predict the effect of missense changes on protein structure and function are either unavailable or do not agree on the potential impact of this missense change. The variant allele was found at a frequency of 6.4e-05 in 251266 control chromosomes (gnomAD). This frequency is not significantly higher than estimated for a pathogenic variant in ATM causing Breast Cancer (6.4e-05 vs 0.001), allowing no conclusion about variant significance. c.3899A>G has been observed in individuals affected with breast cancer as well as unaffected controls (e.g., Momozawa_2018, Fujita_2020, Dorling_2021). These reports do not provide unequivocal conclusions about association of the variant with Breast Cancer. To our knowledge, no experimental evidence demonstrating an impact on protein function has been reported. The following publications have been ascertained in the context of this evaluation (PMID: 30287823, 33309985, 33471991). ClinVar contains an entry for this variant (Variation ID: 181952). Based on the evidence outlined above, the variant was classified as uncertain significance.

Department of Pathology and Laboratory Medicine, Sinai Health System
Classification: Uncertain significance for Familial cancer of breast. Last evaluated: 2024-10-01. Review status: criteria provided, single submitter. Criteria: ACMG Guidelines, 2015. Collection method: clinical testing. Allele origin: germline. Affected: yes.

GeneDx
Classification: Uncertain significance. Last evaluated: 2024-07-17. Review status: criteria provided, single submitter. Criteria: GeneDx Variant Classification Process June 2021. Collection method: clinical testing. Allele origin: germline. Affected: yes.
Comment: In silico analysis supports that this missense variant has a deleterious effect on protein structure/function; This variant is associated with the following publications: (PMID: 33309985, 33471991, Bapat2022[Somatic], 30287823, 29641532, 36243179)

Ambry Genetics
Classification: Uncertain significance for Hereditary cancer-predisposing syndrome. Last evaluated: 2024-02-07. Review status: criteria provided, single submitter. Criteria: Ambry Variant Classification Scheme 2023. Collection method: clinical testing. Allele origin: germline.
Comment: The p.Y1300C variant (also known as c.3899A>G), located in coding exon 25 of the ATM gene, results from an A to G substitution at nucleotide position 3899. The tyrosine at codon 1300 is replaced by cysteine, an amino acid with highly dissimilar properties. This alteration has been reported in 0/7051 unselected breast cancer patients and 1/11241 female controls of Japanese ancestry (Momozawa Y et al. Nat Commun, 2018 10;9:4083). In another study, this alteration was identified in 1/1358 non-cancer control individuals and in 0/57 cases, in a study looking at cancer predisposition mutations in patients with cutaneous melanoma and a history of at least two additional non-cutaneous melanoma primary cancers (Pritchard AL et al. PLoS One, 2018 Apr;13:e0194098). This variant has also been identified in 0/12503 unselected Japanese colorectal cancer patients and in 2/23705 controls . (Fujita M et al. Clin Gastroenterol Hepatol, 2020 Dec). This amino acid position is not well conserved in available vertebrate species. In addition, this alteration is predicted to be tolerated by in silico analysis. Based on the available evidence, the clinical significance of this alteration remains unclear.

Fulgent Genetics
Classification: Uncertain significance for Familial cancer of breast; Ataxia-telangiectasia syndrome. Last evaluated: 2023-12-23. Review status: criteria provided, single submitter. Criteria: ACMG Guidelines, 2015. Collection method: clinical testing. Allele origin: germline.

KCCC/NGS Laboratory, Kuwait Cancer Control Center
Classification: Uncertain significance for Familial cancer of breast. Last evaluated: 2023-06-06. Review status: criteria provided, single submitter. Criteria: ACMG Guidelines, 2015. Collection method: clinical testing. Allele origin: germline. Affected: yes.
Comment: a variant of uncertain significance in the ATM gene (p.Tyr1300Cys). This sequence change replaces tyrosine with cysteine at codon 1300 of the ATM protein (p.Tyr1300Cys). The tyrosine residue is weakly conserved and there is a large physicochemical difference between tyrosine and cysteine. This variant is present in population databases (rs183263185, ExAC 0.05%). This variant has not been reported in the literature in individuals with ATM-related disease. ClinVar contains an entry for this variant (Variation ID: 181952) with 6 submissions all of which describe it as of uncertain significance, two stars, no conflicts. In-silico predictions show benign computational verdict based on 11 benign predictions from BayesDel_addAF, DANN, DEOGEN2, EIGEN, FATHMM-MKL, LIST-S2, M-CAP, MVP, MutationAssessor, PrimateAI and SIFT vs 1 pathogenic prediction from MutationTaster. These predictions have not been confirmed by published functional studies and their clinical significance is uncertain. Therefore, it has been classified as a Variant of Uncertain Significance. Pathogenic/likely pathogenic mutations in the ATM gene increases susceptibility to breast cancer (OMIM # 114480).

Baylor Genetics
Classification: Uncertain significance for Familial cancer of breast. Last evaluated: 2023-04-02. Review status: criteria provided, single submitter. Criteria: ACMG Guidelines, 2015. Collection method: clinical testing. Allele origin: unknown.

Color Diagnostics, LLC DBA Color Health
Classification: Uncertain significance for Hereditary cancer-predisposing syndrome. Last evaluated: 2023-02-17. Review status: criteria provided, single submitter. Criteria: ACMG Guidelines, 2015. Collection method: clinical testing. Allele origin: germline.
Comment: This missense variant replaces tyrosine with cysteine at codon 1300 of the ATM protein. Computational prediction suggests that this variant may not impact protein structure and function (internally defined REVEL score threshold <= 0.5, PMID: 27666373). To our knowledge, functional studies have not been reported for this variant. This variant has been identified in two individuals affected with breast cancer (Color Health internal data). In a large case-control study including participants with Japanese ancestry, this variant was reported in 0/7051 of women with breast cancer and 1/11241 of women without breast cancer (OR=0, CI=0.0-62.1), 0/53 of men with breast cancer and 1/12490 of men without breast cancer (OR=0, CI=0.0-8036.8)(PMID: 30287823). In a large international case-control study, this variant was reported in 1/60466 breast cancer cases and 3/53461 controls (OR=0.295, 95%CI 0.031 to 2.833, p-value=0.347; PMID: 33471991). This variant has been identified in 16/251266 chromosomes in the general population by the Genome Aggregation Database (gnomAD). The available evidence is insufficient to determine the role of this variant in disease conclusively. Therefore, this variant is classified as a Variant of Uncertain Significance.

St. Jude Molecular Pathology, St. Jude Children's Research Hospital
Classification: Uncertain significance for Familial cancer of breast. Last evaluated: 2023-01-19. Review status: criteria provided, single submitter. Criteria: St. Jude Assertion Criteria 2020. Collection method: clinical testing. Allele origin: germline.
Comment: The ATM c.3899A>G (p.Tyr1300Cys) missense change has a maximum subpopulation frequency of 0.039% in gnomAD v2.1.1. The in silico tool REVEL predicts a benign effect of this variant on protein function, and to our knowledge functional studies have not been performed. In case-control studies, this variant has been reported in 0 of 7051 breast cancer patients and 1 of 11241 female controls (PMID: 30287823), in 0 of 12053 colorectal cancer cases and 2 of 23705 controls (PMID: 33309985), and in 0 of 57 patients with cutaneous melanoma and at least two other primary cancers and 1 of 1358 non-cancer control individuals (PMID: 29641532). This variant is absent in a database of women older than 70 years of age who have never had cancer (FLOSSIES database). To our knowledge, this variant has not been reported in individuals with ataxia telangiectasia. In summary, the evidence currently available is insufficient to determine the clinical significance of this variant. It has therefore been classified as of uncertain significance.

MGZ Medical Genetics Center
Classification: Uncertain significance for Familial cancer of breast. Last evaluated: 2022-08-01. Review status: criteria provided, single submitter. Criteria: ACMG Guidelines, 2015. Collection method: clinical testing. Allele origin: germline. Affected: yes. Observed: 3 variant alleles.
Comment: ACMG criteria applied: PM2_SUP, BP4

Illumina Laboratory Services, Illumina
Classification: Uncertain significance for Ataxia-telangiectasia syndrome. Last evaluated: 2018-01-13. Review status: criteria provided, single submitter. Criteria: ICSL Variant Classification Criteria 13 December 2019. Collection method: clinical testing. Allele origin: germline.

Natera, Inc.
Classification: Uncertain significance for Ataxia-telangiectasia. Last evaluated: 2020-02-17. Review status: no assertion criteria provided. Collection method: clinical testing. Allele origin: germline. Not counted in ClinVar's aggregate classification.

Counsyl
Classification: Uncertain significance for Ataxia-telangiectasia syndrome. Last evaluated: 2017-06-01. Review status: no assertion criteria provided. Collection method: clinical testing. Allele origin: unknown. Not counted in ClinVar's aggregate classification.

Literature cited by the submitters: PubMed 30287823 (cited by 4 submitters); PubMed 33309985 (cited by 3 submitters); PubMed 33471991 (cited by Women's Health and Genetics/Laboratory Corporation of America, LabCorp and Department of Pathology and Laboratory Medicine, Sinai Health System); PubMed 29641532 (cited by Department of Pathology and Laboratory Medicine, Sinai Health System and Ambry Genetics).

NM_000051.4(ATM):c.3899A>G (p.Tyr1300Cys)

Gene: ATM (ATM serine/threonine kinase; plus strand). Cytogenetic location: 11q22.3.
Variant type: single nucleotide variant.
Coding change: c.3899A>G on transcript NM_000051.4 (MANE Select); coding-DNA position 3899, A replaced by G.
Protein change: p.Tyr1300Cys; replaces tyrosine 1300 with cysteine.
Molecular consequence: missense variant.
Genome position (GRCh38, 1-based): chr11:108,284,379, A>G. VCF-style: chr11-108284379-A-G. GRCh37 (hg19) VCF-style: chr11-108155106-A-G.
Other names: p.Y1300C:TAT>TGT; c.3899A>G, p.Tyr1300Cys (NM_001351834.2); short protein forms Y1300C.
Identifiers: ClinVar variation 181952 (VCV000181952.43), dbSNP rs183263185, ClinGen allele CA298232.